The following is an entry in ClinVar:

NM_015506.3(MMACHC):c.1A>T (p.Met1Leu)

Gene: MMACHC (metabolism of cobalamin associated C; plus strand). Cytogenetic location: 1p34.1.
Variant type: single nucleotide variant.
Coding change: c.1A>T on transcript NM_015506.3 (MANE Select); coding-DNA position 1, A replaced by T.
Protein change: p.Met1Leu; changes the start codon (methionine 1).
Molecular consequence: missense variant, initiator codon variant. On other transcripts: 5 prime UTR variant (1).
Genome position (GRCh38, 1-based): chr1:45,500,333, A>T. VCF-style: chr1-45500333-A-T. GRCh37 (hg19) VCF-style: chr1-45966005-A-T.
Other names: c.-222A>T (NM_001330540.2); short protein forms M1L.
Identifiers: ClinVar variation 2725295 (VCV002725295.3), dbSNP rs758477536, ClinGen allele CA21825901.

ClinVar aggregate classification (germline): Pathogenic (1 of 4 stars; one submission).

Conditions:
Cobalamin C disease. Also called: Methylmalonic aciduria with homocystinuria cblC type; Cobalamin-C methylmalonic acidemia and homocystinuria; Methylmalonic acidemia and homocystinuria cblC type; Methylmalonic aciduria and homocystinuria, Vitamin B12-responsive; Vitamin B12 metabolic defect with combined deficiency of methylmalonyl-CoA mutase and homocysteine:methyltetrahydrofolate methyltransferase; methylmalonic aciduria and homocystinuria type cblC. Identifiers: Orphanet 26, Orphanet 79282, MedGen C1848561, MONDO:0010184, OMIM 277400.

Submission:

Labcorp Genetics (formerly Invitae), Labcorp
Classification: Pathogenic for Cobalamin C disease. Last evaluated: 2025-11-03. Review status: criteria provided, single submitter. Criteria: Invitae Variant Classification Sherloc (09022015). Collection method: clinical testing. Allele origin: germline.
Comment: This sequence change affects the initiator codon of the MMACHC mRNA. This change may impact translation initiation or efficiency. The next in-frame methionine is located at codon 58. This variant is not present in population databases (gnomAD no frequency). Disruption of the initiator codon has been observed in individuals with methylmalonic aciduria and homocystinuria (PMID: 16311595, 17768669, 19760748, 28693988). ClinVar contains an entry for this variant (Variation ID: 2725295). For these reasons, this variant has been classified as Pathogenic.

Literature cited by the submitters: PubMed 16311595; PubMed 17768669; PubMed 19760748; PubMed 28693988.